The following is an entry in ClinVar:

NM_000878.5(IL2RB):c.800G>A (p.Cys267Tyr)

Gene: IL2RB (interleukin 2 receptor subunit beta; minus strand). Cytogenetic location: 22q12.3.
Variant type: single nucleotide variant.
Coding change: c.800G>A on transcript NM_000878.5 (MANE Select); coding-DNA position 800, G replaced by A.
Protein change: p.Cys267Tyr; replaces cysteine 267 with tyrosine.
Molecular consequence: missense variant.
Genome position (GRCh38, 1-based): chr22:37,135,346, C>T on the plus strand (G>A on the coding strand, the complement: IL2RB is on the minus strand). VCF-style: chr22-37135346-C-T. GRCh37 (hg19) VCF-style: chr22-37531386-C-T.
Other names: c.800G>A, p.Cys267Tyr (NM_001346222.1, NM_001346223.2); short protein forms C267Y.
Identifiers: ClinVar variation 1925104 (VCV001925104.4), dbSNP rs2517837792, ClinGen allele CA411426914.

ClinVar aggregate classification (germline): Uncertain significance (1 of 4 stars; one submission).

Allele frequency attached by ClinVar (database versions not stated): gnomAD exomes 0.00001.
gnomAD v4.1: 15 of 1,613,542 alleles (0.00093%); highest among the groups gnomAD compares: Non-Finnish European, 0.0012%; no homozygotes.

Submission:

Labcorp Genetics (formerly Invitae), Labcorp
Classification: Uncertain significance. Last evaluated: 2024-10-07. Review status: criteria provided, single submitter. Criteria: Invitae Variant Classification Sherloc (09022015). Collection method: clinical testing. Allele origin: germline.
Comment: This sequence change replaces cysteine, which is neutral and slightly polar, with tyrosine, which is neutral and polar, at codon 267 of the IL2RB protein (p.Cys267Tyr). This variant is not present in population databases (gnomAD no frequency). This variant has not been reported in the literature in individuals affected with IL2RB-related conditions. ClinVar contains an entry for this variant (Variation ID: 1925104). An algorithm developed to predict the effect of missense changes on protein structure and function outputs the following: PolyPhen-2: "Benign". The tyrosine amino acid residue is found in multiple mammalian species, which suggests that this missense change does not adversely affect protein function. In summary, the available evidence is currently insufficient to determine the role of this variant in disease. Therefore, it has been classified as a Variant of Uncertain Significance.